The following is an entry in ClinVar:

NM_004208.4(AIFM1):c.1833T>C (p.His611=)

Genes: AIFM1 (apoptosis inducing factor mitochondria associated 1; minus strand), RAB33A (RAB33A, member RAS oncogene family; plus strand). Cytogenetic location: Xq26.1.
Variant type: single nucleotide variant.
Coding change: c.1833T>C on transcript NM_004208.4 (MANE Select); coding-DNA position 1833, T replaced by C.
Protein change: p.His611=; no amino-acid change (histidine 611 retained).
Molecular consequence: synonymous variant. On other transcripts: 3 prime UTR variant (1), non-coding transcript variant (1).
Genome position (GRCh38, 1-based): chrX:130,129,566, A>G on the plus strand (T>C on the coding strand, the complement: AIFM1 is on the minus strand). VCF-style: chrX-130129566-A-G. GRCh37 (hg19) VCF-style: chrX-129263541-A-G.
Other names: p.H611H:CAT>CAC; c.816T>C, p.His272= (NM_001130846.4); c.*1061T>C (NM_001130847.4); c.1821T>C, p.His607= (NM_145812.3).
Identifiers: ClinVar variation 136325 (VCV000136325.25), dbSNP rs73556209, ClinGen allele CA289337.

ClinVar aggregate classification (germline): Benign/Likely benign. Review status: criteria provided, multiple submitters, no conflicts (2 of 4 stars). 9 submissions from 9 submitters: Benign (5); Likely benign (3). 1 of the submissions does not count toward it. Last evaluated 2025-12-29.

Conditions:
Charcot-Marie-Tooth disease X-linked recessive 4 (CMTX4). Also called: Cowchock syndrome; CHARCOT-MARIE-TOOTH DISEASE, X-LINKED RECESSIVE, 4, WITH OR WITHOUT CEREBELLAR ATAXIA; CHARCOT-MARIE-TOOTH DISEASE WITH DEAFNESS AND MENTAL RETARDATION. Identifiers: Orphanet 101078, MedGen C0795910, MONDO:0010689, OMIM 310490.
Deafness, X-linked 5 (DFNX5). Also called: AUDITORY NEUROPATHY, X-LINKED, 1, WITH PERIPHERAL SENSORY NEUROPATHY; DEAFNESS, X-LINKED 5, WITH PERIPHERAL NEUROPATHY. Identifiers: Orphanet 139583, MedGen C1845095, OMIM 300614.
Spondyloepimetaphyseal dysplasia, Bieganski type. Also called: Leukoencephalopathy with metaphyseal chondrodysplasia; Spondyloepimetaphyseal dysplasia, X-linked, with hypomyelinating leukodystrophy; SEMD X-linked with mental deterioration. Identifiers: Orphanet 168448, Orphanet 83629, MedGen C1846148, MONDO:0010275, OMIM 300232.
Severe X-linked mitochondrial encephalomyopathy. Also called: ENCEPHALOMYOPATHY, MITOCHONDRIAL, X-LINKED. Identifiers: Orphanet 238329, MedGen C3151753, MONDO:0010437, OMIM 300816.
Combined oxidative phosphorylation deficiency. Identifiers: MedGen C4540031, MONDO:0000732.
Charcot-Marie-Tooth Neuropathy X. Identifiers: MedGen CN118851.
Inborn genetic diseases. Identifiers: MedGen C0950123, MeSH D030342.
Charcot-Marie-Tooth disease. Also called: Charcot-Marie-Tooth Hereditary Neuropathy; Charcot-Marie-Tooth Neuropathy. Identifiers: Orphanet 166, MedGen C0007959, MONDO:0015626.

Allele frequency attached by ClinVar (database versions not stated): gnomAD exomes 0.00158; ExAC 0.00198; gnomAD 0.00518 and 0.00551; 1000 Genomes Project 0.00530; 1000 Genomes Project 30x 0.00562; TOPMed 0.00617; ESP Exome Variant Server 0.00776.
gnomAD v4.1: 1,275 of 1,208,751 alleles (0.11%); highest among the groups gnomAD compares: African/African-American, 1.9%; 6 homozygotes.

Submissions (9):

Labcorp Genetics (formerly Invitae), Labcorp
Classification: Benign for Charcot-Marie-Tooth Neuropathy X; Combined oxidative phosphorylation deficiency. Last evaluated: 2025-12-29. Review status: criteria provided, single submitter. Criteria: Invitae Variant Classification Sherloc (09022015). Collection method: clinical testing. Allele origin: germline.

Blueprint Genetics
Classification: Likely benign. Last evaluated: 2024-09-18. Review status: criteria provided, single submitter. Criteria: ACMG Guidelines, 2015. Collection method: clinical testing. Allele origin: germline.

Fulgent Genetics
Classification: Likely benign for Spondyloepimetaphyseal dysplasia, Bieganski type; Deafness, X-linked 5; Severe X-linked mitochondrial encephalomyopathy; Charcot-Marie-Tooth disease X-linked recessive 4. Last evaluated: 2021-09-08. Review status: criteria provided, single submitter. Criteria: ACMG Guidelines, 2015. Collection method: clinical testing. Allele origin: unknown.

Ambry Genetics
Classification: Likely benign for Inborn genetic diseases. Last evaluated: 2019-07-11. Review status: criteria provided, single submitter. Criteria: Ambry Variant Classification Scheme 2023. Collection method: clinical testing. Allele origin: germline.

Illumina Laboratory Services, Illumina
Classification: Benign for Severe X-linked mitochondrial encephalomyopathy. Last evaluated: 2018-01-12. Review status: criteria provided, single submitter. Criteria: ICSL Variant Classification Criteria 13 December 2019. Collection method: clinical testing. Allele origin: germline.
Comment: This variant was observed in the ICSL laboratory as part of a predisposition screen in an ostensibly healthy population. It had not been previously curated by ICSL or reported in the Human Gene Mutation Database (HGMD: prior to June 1st, 2018), and was therefore a candidate for classification through an automated scoring system. Utilizing variant allele frequency, disease prevalence and penetrance estimates, and inheritance mode, an automated score was calculated to assess if this variant is too frequent to cause the disease. Based on the score and internal cut-off values, a variant classified as benign is not then subjected to further curation. The score for this variant resulted in a classification of benign for this disease.

GeneDx
Classification: Benign. Last evaluated: 2014-03-13. Review status: criteria provided, single submitter. Criteria: GeneDx Variant Classification (06012015). Collection method: clinical testing. Allele origin: germline. Affected: yes.
Comment: This variant is considered likely benign or benign based on one or more of the following criteria: it is a conservative change, it occurs at a poorly conserved position in the protein, it is predicted to be benign by multiple in silico algorithms, and/or has population frequency not consistent with disease.

Breakthrough Genomics
Classification: Benign. Review status: criteria provided, single submitter. Criteria: ACMG Guidelines, 2015. Collection method: not provided. Allele origin: germline. Inheritance: X-linked inheritance. Affected: yes.

Molecular Genetics Laboratory, London Health Sciences Centre
Classification: Benign for Charcot-Marie-Tooth disease. Review status: criteria provided, single submitter. Criteria: ACMG Guidelines, 2015. Collection method: clinical testing. Allele origin: germline. Affected: yes.

Mayo Clinic Laboratories, Mayo Clinic
Classification: Likely benign. Last evaluated: 2016-03-15. Review status: no assertion criteria provided. Collection method: clinical testing. Allele origin: unknown. Not counted in ClinVar's aggregate classification.